The following is an entry in ClinVar:

ClinVar aggregate classification (germline): Uncertain significance (1 of 4 stars; one submission).

gnomAD v4.1: 3 of 1,613,952 alleles (0.00019%); highest among the groups gnomAD compares: South Asian, 0.0033%; no homozygotes.

Submission:

Mayo Clinic Laboratories, Mayo Clinic
Classification: Uncertain significance. Last evaluated: 2025-08-02. Review status: criteria provided, single submitter. Criteria: ACMG Guidelines, 2015. Collection method: clinical testing. Allele origin: germline. Observed: 1 variant allele.
Comment: PM2_supporting

NM_002474.3(MYH11):c.4745C>T (p.Ala1582Val)

Genes: MYH11 (myosin heavy chain 11; minus strand), NDE1 (nudE neurodevelopment protein 1; plus strand). Cytogenetic location: 16p13.11.
Variant type: single nucleotide variant.
Coding change: c.4745C>T on transcript NM_002474.3 (MANE Select); coding-DNA position 4745, C replaced by T.
Protein change: p.Ala1582Val; replaces alanine 1582 with valine.
Molecular consequence: missense variant. On other transcripts: intron variant (2).
Genome position (GRCh38, 1-based): chr16:15,720,885, G>A on the plus strand (C>T on the coding strand, the complement: MYH11 is on the minus strand). VCF-style: chr16-15720885-G-A. GRCh37 (hg19) VCF-style: chr16-15814742-G-A.
Other names: p.Ala1589Val; c.4766C>T, p.Ala1589Val (NM_001040113.2, NM_001040114.2); c.4745C>T, p.Ala1582Val (NM_022844.3); c.948-3306G>A (NM_001143979.2, NM_017668.3); short protein forms A1582V, A1589V.
Identifiers: ClinVar variation 4542015 (VCV004542015.1).
Genomic context (GRCh38, chr16:15,720,885, plus strand): 5'-CCGGCAGCACGCACCTGTCTCTGCAGTTGCCTCCTCTTCTCCTCATTCTGCTCGTCCCGG[G>A]CTTGGAGATCCCTTTCGAACTGGCCCTTGAGCGCCTGCATGTTGACTTCCAGCCGCAGTT-3'
Protein context (NP_002465.1, residues 1572-1592): LKGQFERDLQ[Ala1582Val]RDEQNEEKRR